The following is an entry in ClinVar:

NM_001378452.1(ITPR1):c.1499C>G (p.Ser500Cys)

Gene: ITPR1 (inositol 1,4,5-trisphosphate receptor type 1; plus strand). Cytogenetic location: 3p26.1.
Variant type: single nucleotide variant.
Coding change: c.1499C>G on transcript NM_001378452.1 (MANE Select); coding-DNA position 1499, C replaced by G.
Protein change: p.Ser500Cys; replaces serine 500 with cysteine.
Molecular consequence: missense variant.
Genome position (GRCh38, 1-based): chr3:4,663,151, C>G. VCF-style: chr3-4663151-C-G. GRCh37 (hg19) VCF-style: chr3-4704835-C-G.
Other names: c.1499C>G, p.Ser500Cys (NM_001099952.4); c.1454C>G, p.Ser485Cys (NM_001168272.2, NM_002222.7); short protein forms S485C, S500C.
Identifiers: ClinVar variation 1720177 (VCV001720177.5), dbSNP rs2470706232, ClinGen allele CA351641428.

ClinVar aggregate classification (germline): Uncertain significance (1 of 4 stars; one submission).

Allele frequency attached by ClinVar (database versions not stated): gnomAD exomes below 0.00001.
gnomAD v4.1: 3 of 1,613,760 alleles (0.00019%); highest among the groups gnomAD compares: Non-Finnish European, 0.00025%; no homozygotes.

Submission:

Labcorp Genetics (formerly Invitae), Labcorp
Classification: Uncertain significance. Last evaluated: 2025-05-12. Review status: criteria provided, single submitter. Criteria: Invitae Variant Classification Sherloc (09022015). Collection method: clinical testing. Allele origin: germline.
Comment: This sequence change replaces serine, which is neutral and polar, with cysteine, which is neutral and slightly polar, at codon 485 of the ITPR1 protein (p.Ser485Cys). This variant is not present in population databases (gnomAD no frequency). This variant has not been reported in the literature in individuals affected with ITPR1-related conditions. ClinVar contains an entry for this variant (Variation ID: 1720177). Invitae Evidence Modeling of protein sequence and biophysical properties (such as structural, functional, and spatial information, amino acid conservation, physicochemical variation, residue mobility, and thermodynamic stability) indicates that this missense variant is not expected to disrupt ITPR1 protein function with a negative predictive value of 80%. In summary, the available evidence is currently insufficient to determine the role of this variant in disease. Therefore, it has been classified as a Variant of Uncertain Significance.